The following is an entry in ClinVar:

NM_001267550.2(TTN):c.12208G>A (p.Glu4070Lys)

Gene: TTN (titin; minus strand). Cytogenetic location: 2q31.2.
Variant type: single nucleotide variant.
Coding change: c.12208G>A on transcript NM_001267550.2 (MANE Select); coding-DNA position 12208, G replaced by A.
Protein change: p.Glu4070Lys; replaces glutamic acid 4070 with lysine.
Molecular consequence: missense variant. On other transcripts: intron variant (1).
Genome position (GRCh38, 1-based): chr2:178,741,025, C>T on the plus strand (G>A on the coding strand, the complement: TTN is on the minus strand). VCF-style: chr2-178741025-C-T. GRCh37 (hg19) VCF-style: chr2-179605752-C-T.
Other names: c.11257G>A, p.Glu3753Lys (NM_001256850.1); c.11119G>A, p.Glu3707Lys (NM_003319.4); c.11494G>A, p.Glu3832Lys (NM_133432.3); c.11695G>A, p.Glu3899Lys (NM_133437.4); c.10361-2665G>A (NM_133378.4); short protein forms E4070K, E3753K, E3707K, E3832K, E3899K.
Identifiers: ClinVar variation 535115 (VCV000535115.5), dbSNP rs397517830, ClinGen allele CA2002742.

ClinVar aggregate classification (germline): Uncertain significance. Review status: criteria provided, multiple submitters, no conflicts (2 of 4 stars). 3 submissions from 3 submitters: Uncertain significance (3). Last evaluated 2023-01-23.

Conditions:
Autosomal recessive limb-girdle muscular dystrophy type 2J (LGMDR10). Also called: Limb-girdle muscular dystrophy, type 2J; MUSCULAR DYSTROPHY, LIMB-GIRDLE, AUTOSOMAL RECESSIVE 10. Identifiers: Orphanet 140922, MedGen C1837342, MONDO:0012127, OMIM 608807.
Dilated cardiomyopathy 1G (CMD1G). Identifiers: Orphanet 154, MedGen C1858763, MONDO:0011400, OMIM 604145.
Hypertrophic cardiomyopathy 9. Also called: Familial hypertrophic cardiomyopathy 9. Identifiers: MedGen C1861065, MONDO:0013412, OMIM 613765.
Tibial muscular dystrophy (TMD). Also called: UDD MYOPATHY; Udd Distal Myopathy – Tibial Muscular Dystrophy; Tibial muscular dystrophy, tardive. Identifiers: Orphanet 609, MedGen C1838244, MONDO:0010870, OMIM 600334.
Early-onset myopathy with fatal cardiomyopathy (CMYO5). Also called: CONGENITAL MYOPATHY 5 WITH CARDIOMYOPATHY; Salih Myopathy. Identifiers: Orphanet 289377, MedGen C2673677, MONDO:0012714, OMIM 611705. Disease mechanism: loss of function.
Myopathy, myofibrillar, 9, with early respiratory failure (MFM9). Also called: EDSTROM MYOPATHY; MYOPATHY, PROXIMAL, WITH EARLY RESPIRATORY MUSCLE INVOLVEMENT; Hereditary myopathy with early respiratory failure; Myopathy, distal, with early respiratory failure, autosomal dominant. Identifiers: Orphanet 178464, Orphanet 34521, MedGen C1863599, MONDO:0011362, OMIM 603689.
Primary dilated cardiomyopathy (DCM). Also called: Dilated Cardiomyopathy. Identifiers: Orphanet 217604, MedGen C0007193, MeSH D002311, MONDO:0005021, HP:0001644. Inheritance: Various modes of inheritance.

Allele frequency attached by ClinVar (database versions not stated): gnomAD exomes below 0.00001; ExAC 0.00001; TOPMed 0.00001; gnomAD 0.00002.
gnomAD v4.1: 10 of 1,613,778 alleles (0.00062%); highest among the groups gnomAD compares: Non-Finnish European, 0.00076%; no homozygotes.

Submissions (3):

Laboratory for Molecular Medicine, Mass General Brigham Personalized Medicine
Classification: Uncertain significance for Primary dilated cardiomyopathy. Last evaluated: 2023-01-23. Review status: criteria provided, single submitter. Criteria: ACMG Guidelines, 2015. Collection method: clinical testing. Allele origin: germline.
Comment: The p.Glu3832Lys variant in TTN has not been previously reported in individuals with cardiomyopathy and was absent from large population studies. This variant has also been reported in ClinVar (Variation ID 535115). In summary, the clinical significance of this variant is uncertain. ACMG/AMP Criteria applied: PM2_Supporting.

Fulgent Genetics
Classification: Uncertain significance for Tibial muscular dystrophy; Myopathy, myofibrillar, 9, with early respiratory failure; Dilated cardiomyopathy 1G; Autosomal recessive limb-girdle muscular dystrophy type 2J; Early-onset myopathy with fatal cardiomyopathy; Hypertrophic cardiomyopathy 9. Last evaluated: 2021-10-05. Review status: criteria provided, single submitter. Criteria: ACMG Guidelines, 2015. Collection method: clinical testing. Allele origin: unknown.

Labcorp Genetics (formerly Invitae), Labcorp
Classification: Uncertain significance for Dilated cardiomyopathy 1G; Autosomal recessive limb-girdle muscular dystrophy type 2J. Last evaluated: 2017-11-30. Review status: criteria provided, single submitter. Criteria: Invitae Variant Classification Sherloc (09022015). Collection method: clinical testing. Allele origin: germline.